The following is an entry in ClinVar:

ClinVar aggregate classification (germline): Uncertain significance. Review status: criteria provided, multiple submitters, no conflicts (2 of 4 stars). 4 submissions from 4 submitters: Uncertain significance (4). Last evaluated 2026-08-17.

Conditions:
ATM-related disorder. Also called: ATM-related disorders; ATM-related condition.
Hereditary cancer-predisposing syndrome. Also called: Neoplastic Syndromes, Hereditary; Tumor predisposition; Hereditary neoplastic syndrome; Hereditary Cancer Syndrome. Identifiers: Orphanet 140162, MedGen C0027672, MeSH D009386, MONDO:0015356.
Ataxia-telangiectasia syndrome (AT). Also called: Cerebello-oculocutaneous telangiectasia; Immunodeficiency with ataxia telangiectasia; AT, COMPLEMENTATION GROUP C; LOUIS-BAR SYNDROME; Ataxia-telangiectasia, complementation group E; ATAXIA-TELANGIECTASIA, COMPLEMENTATION GROUP A. Identifiers: Orphanet 100, MedGen C0004135, MONDO:0008840, OMIM 208900.

Submissions (4):

PreventionGenetics, part of Exact Sciences
Classification: Uncertain significance for ATM-related condition. Last evaluated: 2026-08-17. Review status: criteria provided, single submitter. Criteria: ACMG Guidelines, 2015. Collection method: clinical testing. Allele origin: germline.
Comment: The ATM c.4127C>G variant is predicted to result in the amino acid substitution p.Pro1376Arg. To our knowledge, this variant has not been reported in the literature in individuals with ATM related conditions or in a large population database (gnomAD), indicating this variant is rare. This variant is interpreted as uncertain in ClinVar (Variation ID: 185723). At this time, the clinical significance of this variant is uncertain due to the absence of conclusive functional and genetic evidence.

Labcorp Genetics (formerly Invitae), Labcorp
Classification: Uncertain significance for Ataxia-telangiectasia syndrome. Last evaluated: 2025-04-10. Review status: criteria provided, single submitter. Criteria: Invitae Variant Classification Sherloc (09022015). Collection method: clinical testing. Allele origin: germline.
Comment: This sequence change replaces proline, which is neutral and non-polar, with arginine, which is basic and polar, at codon 1376 of the ATM protein (p.Pro1376Arg). This variant is not present in population databases (gnomAD no frequency). This variant has not been reported in the literature in individuals affected with ATM-related conditions. ClinVar contains an entry for this variant (Variation ID: 185723). Invitae Evidence Modeling of protein sequence and biophysical properties (such as structural, functional, and spatial information, amino acid conservation, physicochemical variation, residue mobility, and thermodynamic stability) has been performed for this missense variant. However, the output from this modeling did not meet the statistical confidence thresholds required to predict the impact of this variant on ATM protein function. In summary, the available evidence is currently insufficient to determine the role of this variant in disease. Therefore, it has been classified as a Variant of Uncertain Significance.

Ambry Genetics
Classification: Uncertain significance for Hereditary cancer-predisposing syndrome. Last evaluated: 2024-09-19. Review status: criteria provided, single submitter. Criteria: Ambry Variant Classification Scheme 2023. Collection method: clinical testing. Allele origin: germline.
Comment: The p.P1376R variant (also known as c.4127C>G), located in coding exon 27 of the ATM gene, results from a C to G substitution at nucleotide position 4127. The proline at codon 1376 is replaced by arginine, an amino acid with dissimilar properties. This amino acid position is highly conserved in available vertebrate species. In addition, this alteration is predicted to be deleterious by in silico analysis. Since supporting evidence is limited at this time, the clinical significance of this alteration remains unclear.

Color Diagnostics, LLC DBA Color Health
Classification: Uncertain significance for Hereditary cancer-predisposing syndrome. Last evaluated: 2021-11-16. Review status: criteria provided, single submitter. Criteria: ACMG Guidelines, 2015. Collection method: clinical testing. Allele origin: germline.
Comment: This missense variant replaces proline with arginine at codon 1376 of the ATM protein. Computational prediction is inconclusive regarding the impact of this variant on protein structure and function (internally defined REVEL score threshold 0.5 < inconclusive < 0.7, PMID: 27666373). To our knowledge, functional studies have not been reported for this variant. This variant has not been reported in individuals affected with hereditary cancer in the literature. In a large international case-control study, this variant was reported in 0/60466 breast cancer cases and 1/53460 controls (PMID: 33471991). This variant has not been identified in the general population by the Genome Aggregation Database (gnomAD). The available evidence is insufficient to determine the role of this variant in disease conclusively. Therefore, this variant is classified as a Variant of Uncertain Significance.

Literature cited by the submitters: PubMed 33471991 (cited by Color Diagnostics, LLC DBA Color Health).

NM_000051.4(ATM):c.4127C>G (p.Pro1376Arg)

Gene: ATM (ATM serine/threonine kinase; plus strand). Cytogenetic location: 11q22.3.
Variant type: single nucleotide variant.
Coding change: c.4127C>G on transcript NM_000051.4 (MANE Select); coding-DNA position 4127, C replaced by G.
Protein change: p.Pro1376Arg; replaces proline 1376 with arginine.
Molecular consequence: missense variant.
Genome position (GRCh38, 1-based): chr11:108,288,994, C>G. VCF-style: chr11-108288994-C-G. GRCh37 (hg19) VCF-style: chr11-108159721-C-G.
Other names: c.4127C>G, p.Pro1376Arg (NM_001351834.2); short protein forms P1376R.
Identifiers: ClinVar variation 185723 (VCV000185723.22), dbSNP rs786202406, ClinGen allele CA192742.